The following is an entry in ClinVar:

ClinVar aggregate classification (germline): Uncertain significance (1 of 4 stars; one submission).

Conditions:
Telangiectasia, hereditary hemorrhagic, type 2 (HHT2). Also called: Telangiectasia, hereditary hemorrhagic, type II; ACVRL1-Related Hereditary Hemorrhagic Telangiectasia. Identifiers: Orphanet 774, MedGen C1838163, MONDO:0010880, OMIM 600376. Disease mechanism: loss of function.

Allele frequency attached by ClinVar (database versions not stated): gnomAD 0.00001; gnomAD exomes 0.00002.
gnomAD v4.1: 18 of 1,581,214 alleles (0.0011%); highest among the groups gnomAD compares: African/African-American, 0.0027%; no homozygotes.

Submission:

ARUP Laboratories, Molecular Genetics and Genomics, ARUP Laboratories
Classification: Uncertain significance for Telangiectasia, hereditary hemorrhagic, type 2. Last evaluated: 2019-01-06. Review status: criteria provided, single submitter. Criteria: ARUP Molecular Germline Variant Investigation Process. Collection method: clinical testing. Allele origin: germline.
Comment: The ACVRL1 c.-5-59C>T variant (rs563686436), to our knowledge, is not reported in the medical literature or gene specific databases. This variant is only observed on four alleles in the Genome Aggregation Database, indicating it is not a common polymorphism. This variant occurs in the 5' untranslated region at a nucleotide that is weakly conserved and does not create a novel protein translation start codon. Due to limited information, the clinical significance of the c.-5-59C>T variant is uncertain at this time.

NM_000020.3(ACVRL1):c.-5-59C>T

Gene: ACVRL1 (activin A receptor like type 1; plus strand). Cytogenetic location: 12q13.13.
Variant type: single nucleotide variant.
Coding change: c.-5-59C>T on transcript NM_000020.3 (MANE Select); 59 bases into the intron before 5 bases upstream of the start codon, C replaced by T.
Molecular consequence: intron variant. On other transcripts: 5 prime UTR variant (1).
Genome position (GRCh38, 1-based): chr12:51,912,411, C>T. VCF-style: chr12-51912411-C-T. GRCh37 (hg19) VCF-style: chr12-52306195-C-T.
Other names: c.-64C>T (NM_001077401.2).
Identifiers: ClinVar variation 811874 (VCV000811874.8), dbSNP rs563686436, ClinGen allele CA236361150.